The following is an entry in ClinVar:

NM_025114.4(CEP290):c.6961-1G>T

Gene: CEP290 (centrosomal protein 290; minus strand). Cytogenetic location: 12q21.32.
Variant type: single nucleotide variant.
Coding change: c.6961-1G>T on transcript NM_025114.4 (MANE Select); the canonical splice acceptor site of the intron before coding-DNA position 6961, G replaced by T.
Molecular consequence: splice acceptor variant.
Genome position (GRCh38, 1-based): chr12:88,054,414, C>A on the plus strand (G>T on the coding strand, the complement: CEP290 is on the minus strand). VCF-style: chr12-88054414-C-A. GRCh37 (hg19) VCF-style: chr12-88448191-C-A.
Other names: c.6961-1G>T (NM_025114.3).
Identifiers: ClinVar variation 1346749 (VCV001346749.11), dbSNP rs2136637204, ClinGen allele CA385975780.
Genomic context (GRCh38, chr12:88,054,414, plus strand): 5'-CTCCCGTTTAAGGCCTTGCTCTGTCTCAGCACCTTCAGGAACATGTTTAAGAATCTTAAT[C>A]TTTGAGGACAATGAAAAGTTAGAAGATAAGGTTTGCCATGGAAATATGAGGATTTATAAA-3'

ClinVar aggregate classification (germline): Conflicting classifications of pathogenicity. Review status: criteria provided, conflicting classifications (1 of 4 stars). 4 submissions from 4 submitters: Likely pathogenic (3); Uncertain significance (1). Last evaluated 2026-07-06.

Conditions:
Leber congenital amaurosis (LCA). Also called: Leber's amaurosis. Identifiers: Orphanet 65, MedGen C0339527, MeSH D057130, MONDO:0018998.
CEP290-related disorder. Also called: CEP290-related disorders; CEP290-related condition. Identifiers: MedGen CN239314.
Nephronophthisis. Also called: Juvenile Nephronophthisis. Identifiers: Orphanet 655, MedGen C0687120, MONDO:0019005, HP:0000090.
Meckel-Gruber syndrome. Also called: DYSENCEPHALIA SPLANCHNOCYSTICA; GRUBER SYNDROME; Dysencephalia splachnocystica. Identifiers: Orphanet 564, MedGen C0265215, MONDO:0018921.
Joubert syndrome. Also called: JOUBERT-BOLTSHAUSER SYNDROME; Familial aplasia of the vermis. Identifiers: Orphanet 475, MedGen C5979921, MONDO:0018772.
CEP290-related ciliopathy. Also called: CEP290 ciliopathy. Identifiers: MedGen CN305601, MONDO:0100451.

Allele frequency attached by ClinVar (database versions not stated): gnomAD exomes below 0.00001.
gnomAD v4.1: 1 of 1,606,326 alleles (0.000062%); highest among the groups gnomAD compares: South Asian, 0.0011%; no homozygotes.

Submissions (4):

PreventionGenetics, part of Exact Sciences
Classification: Likely pathogenic for CEP290-related condition. Last evaluated: 2026-07-06. Review status: criteria provided, single submitter. Criteria: ACMG Guidelines, 2015. Collection method: clinical testing. Allele origin: germline.
Comment: The CEP290 c.6961-1G>T variant is predicted to disrupt the AG splice acceptor site and interfere with normal splicing. This variant has been reported in the heterozygous state in an individual with sporadic retinitis pigmentosa; no second variant was identified in that patient (Martin-Merida et al. 2019. PubMed ID: 30902645). This variant has not been reported in a large population database (gnomAD), indicating this variant is rare. Variants that disrupt the consensus splice acceptor site in CEP290 are expected to be pathogenic. This variant is interpreted as likely pathogenic.

Myriad Genetics, Inc.
Classification: Uncertain significance for CEP290-related ciliopathy. Last evaluated: 2026-01-09. Review status: criteria provided, single submitter. Criteria: Myriad Autosomal Dominant, Autosomal Recessive and X-Linked Classification Criteria (2023). Collection method: clinical testing. Allele origin: unknown.
Comment: NM_025114.3(CEP290):c.6961-1G>T is a variant in a canonical splice site classified as a variant of uncertain significance in the context of CEP290-related disorders. c.6961-1G>T has been observed in cases with relevant disease (PMID: 33046855, 30902645). Relevant functional assessments of this variant are not available in the literature. c.6961-1G>T has not been observed in referenced population frequency databases. In summary, there is insufficient evidence to classify NM_025114.3(CEP290):c.6961-1G>T as pathogenic or benign. Please note: this variant was assessed in the context of healthy population screening.

Natera, Inc.
Classification: Likely pathogenic for Leber congenital amaurosis. Last evaluated: 2024-09-03. Review status: criteria provided, single submitter. Criteria: Natera Variant Classification Schema (03/2026). Collection method: clinical testing. Allele origin: germline.
Comment: The c.6961-1G>T variant in CEP290 is a canonical splice acceptor site variant predicted to affect pre-mRNA splicing, which may result in an abnormal transcript and altered protein product. This variant is expected to result in nonsense mediated decay, truncation, or a dysfunctional protein product. This variant is rare in the general population with a frequency below the threshold expected for the associated phenotype(s). Given the available evidence, this variant is classified as Likely Pathogenic.

Labcorp Genetics (formerly Invitae), Labcorp
Classification: Likely pathogenic for Joubert syndrome; Meckel-Gruber syndrome; Nephronophthisis. Last evaluated: 2023-03-07. Review status: criteria provided, single submitter. Criteria: Invitae Variant Classification Sherloc (09022015). Collection method: clinical testing. Allele origin: germline.
Comment: In summary, the currently available evidence indicates that the variant is pathogenic, but additional data are needed to prove that conclusively. Therefore, this variant has been classified as Likely Pathogenic. Algorithms developed to predict the effect of sequence changes on RNA splicing suggest that this variant may disrupt the consensus splice site. ClinVar contains an entry for this variant (Variation ID: 1346749). Disruption of this splice site has been observed in individual(s) with CEP290-related conditions (PMID: 30902645). This variant is not present in population databases (gnomAD no frequency). This sequence change affects an acceptor splice site in intron 50 of the CEP290 gene. It is expected to disrupt RNA splicing. Variants that disrupt the donor or acceptor splice site typically lead to a loss of protein function (PMID: 16199547), and loss-of-function variants in CEP290 are known to be pathogenic (PMID: 16909394, 17345604, 20690115).

Literature cited by the submitters: PubMed 30902645 (cited by Myriad Genetics, Inc. and Labcorp Genetics (formerly Invitae), Labcorp); PubMed 33046855 (cited by Myriad Genetics, Inc.); PubMed 16199547 (cited by Labcorp Genetics (formerly Invitae), Labcorp); PubMed 16909394 (cited by Labcorp Genetics (formerly Invitae), Labcorp); PubMed 17345604 (cited by Labcorp Genetics (formerly Invitae), Labcorp); PubMed 20690115 (cited by Labcorp Genetics (formerly Invitae), Labcorp).